The following is an entry in ClinVar:

NM_006828.4(ASCC3):c.1396A>T (p.Ile466Phe)

Gene: ASCC3 (activating signal cointegrator 1 complex subunit 3; minus strand). Cytogenetic location: 6q16.3.
Variant type: single nucleotide variant.
Coding change: c.1396A>T on transcript NM_006828.4 (MANE Select); coding-DNA position 1396, A replaced by T.
Protein change: p.Ile466Phe; replaces isoleucine 466 with phenylalanine.
Molecular consequence: missense variant.
Genome position (GRCh38, 1-based): chr6:100,767,345, T>A on the plus strand (A>T on the coding strand, the complement: ASCC3 is on the minus strand). VCF-style: chr6-100767345-T-A. GRCh37 (hg19) VCF-style: chr6-101215221-T-A.
Other names: c.1396A>T, p.Ile466Phe (NM_001284271.2); short protein forms I466F.
Identifiers: ClinVar variation 4839124 (VCV004839124.1).

ClinVar aggregate classification (germline): Uncertain significance (1 of 4 stars; one submission).

Conditions:
Inborn genetic diseases. Identifiers: MedGen C0950123, MeSH D030342.

Submission:

Ambry Genetics
Classification: Uncertain significance for Inborn genetic diseases. Last evaluated: 2026-01-09. Review status: criteria provided, single submitter. Criteria: Ambry Variant Classification Scheme 2023. Collection method: clinical testing. Allele origin: germline.
Comment: The c.1396A>T (p.I466F) alteration is located in exon 9 (coding exon 8) of the ASCC3 gene. This alteration results from a A to T substitution at nucleotide position 1396, causing the isoleucine (I) at amino acid position 466 to be replaced by a phenylalanine (F). Based on data from gnomAD, the T allele has an overall frequency of 0.001% (1/103080) total alleles studied. The highest observed frequency was 0.012% (1/8602) of African alleles. Based on insufficient or conflicting evidence, the clinical significance of this alteration remains unclear.